The following is an entry in ClinVar:

NM_000535.7(PMS2):c.732G>C (p.Gln244His)

Gene: PMS2 (PMS1 homolog 2, mismatch repair system component; minus strand). Cytogenetic location: 7p22.1.
Variant type: single nucleotide variant.
Coding change: c.732G>C on transcript NM_000535.7 (MANE Select); coding-DNA position 732, G replaced by C.
Protein change: p.Gln244His; replaces glutamine 244 with histidine.
Molecular consequence: missense variant. On other transcripts: 5 prime UTR variant (2), non-coding transcript variant (1).
Genome position (GRCh38, 1-based): chr7:5,997,397, C>G on the plus strand (G>C on the coding strand, the complement: PMS2 is on the minus strand). VCF-style: chr7-5997397-C-G. GRCh37 (hg19) VCF-style: chr7-6037028-C-G.
Other names: c.732G>C (NM_000535.5); c.327G>C, p.Gln109His (NM_001322003.2, NM_001322004.2, NM_001322005.2 and 2 more transcripts); c.732G>C, p.Gln244His (NM_001322006.2, NM_001322014.2); c.414G>C, p.Gln138His (NM_001322007.2, NM_001322008.2); c.-202G>C (NM_001322011.2, NM_001322012.2); c.159G>C, p.Gln53His (NM_001322013.2); c.423G>C, p.Gln141His (NM_001322015.2); short protein forms Q109H, Q138H, Q141H, Q244H, Q53H.
Identifiers: ClinVar variation 830306 (VCV000830306.4), dbSNP rs1390756677, ClinGen allele CA366743746.

ClinVar aggregate classification (germline): Uncertain significance. Review status: criteria provided, multiple submitters, no conflicts (2 of 4 stars). 3 submissions from 3 submitters: Uncertain significance (3). Last evaluated 2024-03-27.

Conditions:
Hereditary cancer-predisposing syndrome. Also called: Hereditary neoplastic syndrome; Neoplastic Syndromes, Hereditary; Tumor predisposition; Hereditary Cancer Syndrome. Identifiers: Orphanet 140162, MedGen C0027672, MeSH D009386, MONDO:0015356.
Lynch syndrome. Identifiers: Orphanet 144, MedGen C4552100, MONDO:0005835. Disease mechanism: loss of function.
Hereditary breast ovarian cancer syndrome. Also called: Hereditary breast and/or ovarian cancer syndrome; Hereditary breast and ovarian cancer syndrome (HBOC); Breast and ovarian cancer; Hereditary breast and ovarian cancer; BRCA1- and BRCA2-Associated Hereditary Breast and Ovarian Cancer; Hereditary breast and ovarian cancer syndrome. Identifiers: Orphanet 145, MedGen C0677776, MeSH D061325, MONDO:0003582. Disease mechanism: loss of function.

Allele frequency attached by ClinVar (database versions not stated): gnomAD exomes below 0.00001.

Submissions (3):

Ambry Genetics
Classification: Uncertain significance for Hereditary cancer-predisposing syndrome. Last evaluated: 2024-03-27. Review status: criteria provided, single submitter. Criteria: Ambry Variant Classification Scheme 2023. Collection method: clinical testing. Allele origin: germline.
Comment: The p.Q244H variant (also known as c.732G>C), located in coding exon 7 of the PMS2 gene, results from a G to C substitution at nucleotide position 732. The glutamine at codon 244 is replaced by histidine, an amino acid with highly similar properties. This amino acid position is highly conserved in available vertebrate species. In addition, the in silico prediction for this alteration is inconclusive. Based on the available evidence, the clinical significance of this alteration remains unclear.

All of Us Research Program, National Institutes of Health
Classification: Uncertain significance for Lynch syndrome. Last evaluated: 2023-05-31. Review status: criteria provided, single submitter. Criteria: ACMG Guidelines, 2015. Collection method: clinical testing. Allele origin: germline. Inheritance: Autosomal dominant inheritance. Observed: 1 variant allele, 1 heterozygote.
Comment: This study involves interpretation of variants in research participants for the purpose of population health screening. Participant phenotype was not available at the time of variant classification. Additional details can be found in publication PMID: 35346344, PMCID: PMC8962531

Cancer Genomics Group, Japanese Foundation For Cancer Research
Classification: Uncertain significance for Hereditary breast and ovarian cancer syndrome. Last evaluated: 2019-05-01. Review status: criteria provided, single submitter. Criteria: ACMG Guidelines, 2015. Collection method: research. Allele origin: germline. Affected: yes.